The following is an entry in ClinVar:

ClinVar aggregate classification (germline): Uncertain significance (1 of 4 stars; one submission).

Submission:

Labcorp Genetics (formerly Invitae), Labcorp
Classification: Uncertain significance. Last evaluated: 2025-08-21. Review status: criteria provided, single submitter. Criteria: Invitae Variant Classification Sherloc (09022015). Collection method: clinical testing. Allele origin: germline.
Comment: This sequence change replaces asparagine, which is neutral and polar, with threonine, which is neutral and polar, at codon 698 of the ADGRV1 protein (p.Asn698Thr). This variant is not present in population databases (gnomAD no frequency). This variant has not been reported in the literature in individuals affected with ADGRV1-related conditions. ClinVar contains an entry for this variant (Variation ID: 1475208). Invitae Evidence Modeling of protein sequence and biophysical properties (such as structural, functional, and spatial information, amino acid conservation, physicochemical variation, residue mobility, and thermodynamic stability) indicates that this missense variant is not expected to disrupt ADGRV1 protein function with a negative predictive value of 95%. In summary, the available evidence is currently insufficient to determine the role of this variant in disease. Therefore, it has been classified as a Variant of Uncertain Significance.

NM_032119.4(ADGRV1):c.2093A>C (p.Asn698Thr)

Gene: ADGRV1 (adhesion G protein-coupled receptor V1; plus strand). Cytogenetic location: 5q14.3.
Variant type: single nucleotide variant.
Coding change: c.2093A>C on transcript NM_032119.4 (MANE Select); coding-DNA position 2093, A replaced by C.
Protein change: p.Asn698Thr; replaces asparagine 698 with threonine.
Molecular consequence: missense variant. On other transcripts: non-coding transcript variant (1).
Genome position (GRCh38, 1-based): chr5:90,637,801, A>C. VCF-style: chr5-90637801-A-C. GRCh37 (hg19) VCF-style: chr5-89933618-A-C.
Other names: short protein forms N698T.
Identifiers: ClinVar variation 1475208 (VCV001475208.8), dbSNP rs2149409802, ClinGen allele CA360383727.